The following is an entry in ClinVar:

ClinVar aggregate classification (germline): Uncertain significance (1 of 4 stars; one submission).

Submission:

Labcorp Genetics (formerly Invitae), Labcorp
Classification: Uncertain significance. Last evaluated: 2023-11-27. Review status: criteria provided, single submitter. Criteria: Invitae Variant Classification Sherloc (09022015). Collection method: clinical testing. Allele origin: unknown.
Comment: A copy number gain of the genomic region encompassing the full coding sequence of the SIN3A gene has been identified. The boundaries of this event are unknown as they extend beyond the assayed region for this gene and therefore may encompass additional genes. As the precise location of this event is unknown, it may be in tandem or it may be located elsewhere in the genome. This variant has not been reported in the literature in individuals affected with SIN3A-related conditions. In summary, the available evidence is currently insufficient to determine the role of this variant in disease. Therefore, it has been classified as a Variant of Uncertain Significance.

NC_000015.9:g.(?_75664320)_(75722716_?)dup

Gene: SIN3A (SIN3 transcription regulator family member A; minus strand). Cytogenetic location: 15q24.2.
Variant type: Duplication.
Identifiers: ClinVar variation 3243866 (VCV003243866.1).